The following is an entry in ClinVar:

NM_000138.5(FBN1):c.6582_6609delinsTGCAGGTACATGTGATG (p.Glu2194fs)

Gene: FBN1 (fibrillin 1; minus strand). Cytogenetic location: 15q21.1.
Variant type: Indel.
Coding change: c.6582_6609delinsTGCAGGTACATGTGATG on transcript NM_000138.5 (MANE Select); coding-DNA positions 6582 to 6609, GGGATTTGAGCCCGGTCCAATGATGACA replaced by TGCAGGTACATGTGATG.
Protein change: p.Glu2194fs; shifts the reading frame from glutamic acid 2194.
Molecular consequence: frameshift variant.
Genome position (GRCh38, 1-based): chr15:48,434,601-48,434,628, TGTCATCATTGGACCGGGCTCAAATCCC replaced by CATCACATGTACCTGCA on the plus strand (GGGATTTGAGCCCGGTCCAATGATGACA replaced by TGCAGGTACATGTGATG on the coding strand, the reverse complement: FBN1 is on the minus strand). GRCh37 (hg19): chr15:48,726,798-48,726,825.
Other names: c.6582_6609delinsTGCAGGTACATGTGATG, p.Glu2194fs (NM_001406716.1); short protein forms E2194fs.
Identifiers: ClinVar variation 4855005 (VCV004855005.1).
Genomic context (GRCh38, chr15:48,434,601, plus strand): 5'-TTGTTCCCAGGATCAGTACACGTAATCAACTGTTCTCTGTTTAAGAGATGTACCTTCACA[TGTCATCATTGGACCGGGCTCAAATCCC>CATCACATGTACCTGCA]TCCTCGCAGGTGCATTCAAAACCTCCAATCACATTCTTGCAGGTTCCATTTCCACAAGGA-3'

ClinVar aggregate classification (germline): Likely pathogenic (1 of 4 stars; one submission).

Conditions:
Marfan syndrome (MFS). Also called: FBN1-Related Marfan Syndrome; MARFAN SYNDROME, TYPE I; Marfan syndrome type 1; Marfan's syndrome; Marfan syndrome, classic. Identifiers: Orphanet 284963, Orphanet 558, MedGen C0024796, MONDO:0007947, OMIM 154700.

Submission:

3billion
Classification: Likely pathogenic for Marfan syndrome. Last evaluated: 2025-11-24. Review status: criteria provided, single submitter. Criteria: ACMG Guidelines, 2015. Collection method: clinical testing. Allele origin: germline. Affected: yes.
Comment: The variant is not observed in the gnomAD v4.1.0 dataset. Predicted Consequence/Location: Frameshift: predicted to result in a loss or disruption of normal protein function through nonsense-mediated decay (NMD) or protein truncation. Multiple pathogenic variants are reported downstream of the variant. Therefore, this variant is classified as Likely pathogenic according to the recommendation of ACMG/AMP guideline.